The following is an entry in ClinVar:

ClinVar aggregate classification (germline): Likely pathogenic (1 of 4 stars; one submission).

Conditions:
Joubert syndrome. Also called: CEREBELLOPARENCHYMAL DISORDER IV; JOUBERT-BOLTSHAUSER SYNDROME; Familial aplasia of the vermis. Identifiers: Orphanet 475, MedGen C5979921, MONDO:0018772.
Meckel-Gruber syndrome. Also called: DYSENCEPHALIA SPLANCHNOCYSTICA; GRUBER SYNDROME; Dysencephalia splachnocystica. Identifiers: Orphanet 564, MedGen C0265215, MONDO:0018921.

Allele frequency attached by ClinVar (database versions not stated): gnomAD exomes below 0.00001.
gnomAD v4.1: 3 of 1,613,736 alleles (0.00019%); highest among the groups gnomAD compares: Non-Finnish European, 0.00025%; no homozygotes.

Submission:

Labcorp Genetics (formerly Invitae), Labcorp
Classification: Likely pathogenic for Joubert syndrome; Meckel-Gruber syndrome. Last evaluated: 2022-05-30. Review status: criteria provided, single submitter. Criteria: Invitae Variant Classification Sherloc (09022015). Collection method: clinical testing. Allele origin: germline.
Comment: This variant is not present in population databases (gnomAD no frequency). This variant has not been reported in the literature in individuals affected with TCTN2-related conditions. Algorithms developed to predict the effect of sequence changes on RNA splicing suggest that this variant may disrupt the consensus splice site. In summary, the currently available evidence indicates that the variant is pathogenic, but additional data are needed to prove that conclusively. Therefore, this variant has been classified as Likely Pathogenic. This sequence change affects a donor splice site in intron 1 of the TCTN2 gene. It is expected to disrupt RNA splicing. Variants that disrupt the donor or acceptor splice site typically lead to a loss of protein function (PMID: 16199547), and loss-of-function variants in TCTN2 are known to be pathogenic (PMID: 21565611).

Literature cited by the submitters: PubMed 16199547; PubMed 21565611.

NM_024809.5(TCTN2):c.82+1G>T

Gene: TCTN2 (tectonic family member 2; plus strand). Cytogenetic location: 12q24.31.
Variant type: single nucleotide variant.
Coding change: c.82+1G>T on transcript NM_024809.5 (MANE Select); the canonical splice donor site of the intron after coding-DNA position 82, G replaced by T.
Molecular consequence: splice donor variant.
Genome position (GRCh38, 1-based): chr12:123,671,323, G>T. VCF-style: chr12-123671323-G-T. GRCh37 (hg19) VCF-style: chr12-124155870-G-T.
Other names: c.82+1G>T (NM_001410989.1, NM_001143850.3).
Identifiers: ClinVar variation 2123343 (VCV002123343.4), dbSNP rs2541745804, ClinGen allele CA387154949.